The following is an entry in ClinVar:

NM_001083962.2(TCF4):c.550-22780G>A

Gene: TCF4 (transcription factor 4; minus strand). Cytogenetic location: 18q21.2.
Variant type: single nucleotide variant.
Coding change: c.550-22780G>A on transcript NM_001083962.2 (MANE Select); 22780 bases into the intron before coding-DNA position 550, G replaced by A.
Molecular consequence: intron variant. On other transcripts: missense variant (2).
Genome position (GRCh38, 1-based): chr18:55,302,436, C>T on the plus strand (G>A on the coding strand, the complement: TCF4 is on the minus strand). VCF-style: chr18-55302436-C-T. GRCh37 (hg19) VCF-style: chr18-52969667-C-T.
Other names: c.49G>A, p.Asp17Asn (NM_001243236.2, NM_001348216.2); c.856-22780G>A (NM_001243226.3); c.475-22780G>A (NM_001369584.1, NM_001369576.1, NM_001369585.1 and 3 more transcripts); c.478-22780G>A (NM_001369577.1, NM_001369582.1, NM_001243227.2 and 9 more transcripts); c.550-22780G>A (NM_001369571.1, NM_001369567.1, NM_001369572.1 and 4 more transcripts); c.550-22762G>A (NM_001243228.2); c.544-22780G>A (NM_001243230.2); c.547-22780G>A (NM_001369569.1, NM_001369573.1, NM_001369570.1); and 5 more; short protein forms D17N.
Identifiers: ClinVar variation 1691007 (VCV001691007.4), dbSNP rs962581774, ClinGen allele CA301123476.
Genomic context (GRCh38, chr18:55,302,436, plus strand): 5'-AGGCTCAGGATAGACCACTTTGGGGAGACTCTGACCTTACCTCTGCTTTCCCTTCGTGGT[C>T]CAGGCAACATAGCCCTGTATCTGAGCATCTGCATTGTTTAAATTTCATCCTGTGGTGTTG-3'

ClinVar aggregate classification (germline): Uncertain significance (1 of 4 stars; one submission).

Conditions:
Corneal dystrophy, Fuchs endothelial, 3 (FECD3). Also called: FCD2 LOCUS. Identifiers: Orphanet 98974, MedGen C2750451, MONDO:0013203, OMIM 613267.

Allele frequency attached by ClinVar (database versions not stated): gnomAD exomes below 0.00001 and 0.00001; TOPMed 0.00002.
gnomAD v4.1: 2 of 1,536,242 alleles (0.00013%); highest among the groups gnomAD compares: African/African-American, 0.0014%; no homozygotes.

Submission:

Laboratorio de Genetica e Diagnostico Molecular, Hospital Israelita Albert Einstein
Classification: Uncertain significance for Corneal dystrophy, Fuchs endothelial, 3. Last evaluated: 2022-03-17. Review status: criteria provided, single submitter. Criteria: ACMG Guidelines, 2015. Collection method: clinical testing. Allele origin: germline. Affected: yes.
Comment: ACMG classification criteria: PM2 moderated, PP2 supporting